The following is an entry in ClinVar:

NM_005732.4(RAD50):c.2923-11_2923-7del

Gene: RAD50 (RAD50 double strand break repair protein; plus strand). Cytogenetic location: 5q31.1.
Variant type: Deletion.
Coding change: c.2923-11_2923-7del on transcript NM_005732.4 (MANE Select); 11 bases into the intron before coding-DNA position 2923 through 7 bases into the intron before coding-DNA position 2923, 5 bases deleted (CTTTT; older notation c.2923-11_2923-7delCTTTT).
Molecular consequence: intron variant.
Genome position (GRCh38, 1-based): chr5:132,609,272-132,609,276, CTTTT deleted; deleting any 5 consecutive bases within chr5:132,609,268-132,609,276 gives the same sequence; the c. name uses the placement nearest the transcript's 3' end. VCF-style (leftmost placement, unchanged base first): chr5-132609267-ATTTTC-A. GRCh37 (hg19) VCF-style: chr5-131944959-ATTTTC-A.
Identifiers: ClinVar variation 2072564 (VCV002072564.4), dbSNP rs2479371439, ClinGen allele CA2580072707.

ClinVar aggregate classification (germline): Uncertain significance (1 of 4 stars; one submission).

Conditions:
Hereditary cancer-predisposing syndrome. Also called: Neoplastic Syndromes, Hereditary; Hereditary Cancer Syndrome; Tumor predisposition; Hereditary neoplastic syndrome. Identifiers: Orphanet 140162, MedGen C0027672, MeSH D009386, MONDO:0015356.

Submission:

Labcorp Genetics (formerly Invitae), Labcorp
Classification: Uncertain significance for Hereditary cancer-predisposing syndrome. Last evaluated: 2023-11-16. Review status: criteria provided, single submitter. Criteria: Invitae Variant Classification Sherloc (09022015). Collection method: clinical testing. Allele origin: germline.
Comment: This sequence change falls in intron 18 of the RAD50 gene. It does not directly change the encoded amino acid sequence of the RAD50 protein. This variant is not present in population databases (gnomAD no frequency). This variant has not been reported in the literature in individuals affected with RAD50-related conditions. ClinVar contains an entry for this variant (Variation ID: 2072564). Algorithms developed to predict the effect of sequence changes on RNA splicing suggest that this variant may disrupt the consensus splice site. In summary, the available evidence is currently insufficient to determine the role of this variant in disease. Therefore, it has been classified as a Variant of Uncertain Significance.